The following is an entry in ClinVar:

ClinVar aggregate classification (germline): Pathogenic (1 of 4 stars; one submission).

Conditions:
Familial adenomatous polyposis 1 (FAP1). Also called: FAMILIAL ADENOMATOUS POLYPOSIS 1, ATTENUATED; POLYPOSIS, ADENOMATOUS INTESTINAL. Identifiers: MedGen C2713442, MONDO:0021056, OMIM 175100. Disease mechanism: loss of function.

Submission:

Myriad Genetics, Inc.
Classification: Pathogenic for Familial adenomatous polyposis 1. Last evaluated: 2023-05-04. Review status: criteria provided, single submitter. Criteria: Myriad Autosomal Dominant, Autosomal Recessive and X-Linked Classification Criteria (2023). Collection method: clinical testing. Allele origin: unknown.
Comment: This variant is considered pathogenic. This variant creates a frameshift predicted to result in premature protein truncation.

NM_000038.6(APC):c.2204_2208del (p.Ala735fs)

Gene: APC (APC regulator of Wnt signaling pathway; plus strand). Cytogenetic location: 5q22.2.
Variant type: Deletion.
Coding change: c.2204_2208del on transcript NM_000038.6 (MANE Select); coding-DNA positions 2204 to 2208, 5 bases deleted (CGAAG; older notation c.2204_2208delCGAAG).
Protein change: p.Ala735fs; shifts the reading frame from alanine 735.
Molecular consequence: frameshift variant. On other transcripts: non-coding transcript variant (2).
Genome position (GRCh38, 1-based): chr5:112,837,798-112,837,802, CGAAG deleted; deleting any 5 consecutive bases within chr5:112,837,797-112,837,802 gives the same sequence; the c. name uses the placement nearest the transcript's 3' end. VCF-style (leftmost placement, unchanged base first): chr5-112837796-TGCGAA-T. GRCh37 (hg19) VCF-style: chr5-112173493-TGCGAA-T.
Other names: c.2204_2208del, p.Ala735fs (NM_001127510.3, NM_001354895.2, NM_001407450.1); c.2150_2154del, p.Ala717fs (NM_001127511.3); c.2258_2262del, p.Ala753fs (NM_001354896.2, NM_001407447.1, NM_001407448.1 and 1 more transcripts); c.2234_2238del, p.Ala745fs (NM_001354897.2); c.2129_2133del, p.Ala710fs (NM_001354898.2); c.2120_2124del, p.Ala707fs (NM_001354899.2); c.2081_2085del, p.Ala694fs (NM_001354900.2); c.2027_2031del, p.Ala676fs (NM_001354901.2, NM_001407453.1); and 11 more; short protein forms A351fs, A452fs, A575fs, A606fs, A609fs, A634fs, A644fs, A652fs.
Identifiers: ClinVar variation 2584033 (VCV002584033.1), dbSNP rs2533404084, ClinGen allele CA2582341437.